The following is an entry in ClinVar:

ClinVar aggregate classification (germline): Uncertain significance. Review status: criteria provided, multiple submitters, no conflicts (2 of 4 stars). 2 submissions from 2 submitters: Uncertain significance (2). Last evaluated 2025-12-29.

Conditions:
Inborn genetic diseases. Identifiers: MedGen C0950123, MeSH D030342.
Nephronophthisis 9 (NPHP9). Identifiers: Orphanet 655, MedGen C3151188, MONDO:0013444, OMIM 613824.

gnomAD v4.1: 37 of 1,614,138 alleles (0.0023%); highest among the groups gnomAD compares: Middle Eastern, 0.082%; 1 homozygote.

Submissions (2):

Labcorp Genetics (formerly Invitae), Labcorp
Classification: Uncertain significance for Nephronophthisis 9. Last evaluated: 2025-12-29. Review status: criteria provided, single submitter. Criteria: Invitae Variant Classification Sherloc (09022015). Collection method: clinical testing. Allele origin: germline.
Comment: This sequence change replaces arginine, which is basic and polar, with cysteine, which is neutral and slightly polar, at codon 598 of the NEK8 protein (p.Arg598Cys). This variant is present in population databases (rs200230947, gnomAD 0.02%). This variant has not been reported in the literature in individuals affected with NEK8-related conditions. ClinVar contains an entry for this variant (Variation ID: 3918782). An algorithm developed to predict the effect of missense changes on protein structure and function (PolyPhen-2) suggests that this variant is likely to be tolerated. In summary, the available evidence is currently insufficient to determine the role of this variant in disease. Therefore, it has been classified as a Variant of Uncertain Significance.

Ambry Genetics
Classification: Uncertain significance for Inborn genetic diseases. Last evaluated: 2025-04-10. Review status: criteria provided, single submitter. Criteria: Ambry Variant Classification Scheme 2023. Collection method: clinical testing. Allele origin: germline.

NM_178170.3(NEK8):c.1792C>T (p.Arg598Cys)

Gene: NEK8 (NIMA related kinase 8; plus strand). Cytogenetic location: 17q11.2.
Variant type: single nucleotide variant.
Coding change: c.1792C>T on transcript NM_178170.3 (MANE Select); coding-DNA position 1792, C replaced by T.
Protein change: p.Arg598Cys; replaces arginine 598 with cysteine.
Molecular consequence: missense variant.
Genome position (GRCh38, 1-based): chr17:28,741,137, C>T. VCF-style: chr17-28741137-C-T. GRCh37 (hg19) VCF-style: chr17-27068155-C-T.
Other names: short protein forms R598C.
Identifiers: ClinVar variation 3918782 (VCV003918782.2).